The following is an entry in ClinVar:

NM_014363.6(SACS):c.517C>T (p.Gln173Ter)

Gene: SACS (sacsin molecular chaperone; minus strand). Cytogenetic location: 13q12.12.
Variant type: single nucleotide variant.
Coding change: c.517C>T on transcript NM_014363.6 (MANE Select); coding-DNA position 517, C replaced by T.
Protein change: p.Gln173Ter; replaces glutamine 173 with a stop codon.
Molecular consequence: nonsense.
Genome position (GRCh38, 1-based): chr13:23,358,422, G>A on the plus strand (C>T on the coding strand, the complement: SACS is on the minus strand). VCF-style: chr13-23358422-G-A. GRCh37 (hg19) VCF-style: chr13-23932561-G-A.
Other names: c.76C>T, p.Gln26Ter (NM_001278055.2); short protein forms Q26*, Q173*.
Identifiers: ClinVar variation 663248 (VCV000663248.8), dbSNP rs1593147785, ClinGen allele CA387552062.

ClinVar aggregate classification (germline): Pathogenic. Review status: criteria provided, multiple submitters, no conflicts (2 of 4 stars). 2 submissions from 2 submitters: Pathogenic (2). Last evaluated 2024-05-08.

Conditions:
Spastic paraplegia. Identifiers: MedGen C0037772, HP:0001258.
Charlevoix-Saguenay spastic ataxia (SACS). Also called: SPASTIC ATAXIA 6, AUTOSOMAL RECESSIVE; AUTOSOMAL RECESSIVE SPASTIC ATAXIA OF CHARLEVOIX-SAGUENAY; Spastic ataxia of Charlevoix-Saguenay. Identifiers: Orphanet 98, MedGen C1849140, MONDO:0010041, OMIM 270550.

Submissions (2):

Myriad Genetics, Inc.
Classification: Pathogenic for Charlevoix-Saguenay spastic ataxia. Last evaluated: 2024-05-08. Review status: criteria provided, single submitter. Criteria: Myriad Autosomal Dominant, Autosomal Recessive and X-Linked Classification Criteria (2023). Collection method: clinical testing. Allele origin: unknown.
Comment: NM_014363.4(SACS):c.517C>T(Q173*) is expected to be pathogenic in the context of autosomal recessive spastic ataxia of Charlevoix-Saguenay. This variant is predicted to lead to an abnormal or absent protein product due to the creation of a premature termination codon in SACS, a gene where loss-of-function variants are known to be pathogenic. Please note: this variant was assessed in the context of healthy population screening.

Labcorp Genetics (formerly Invitae), Labcorp
Classification: Pathogenic for Spastic paraplegia. Last evaluated: 2018-10-04. Review status: criteria provided, single submitter. Criteria: Invitae Variant Classification Sherloc (09022015). Collection method: clinical testing. Allele origin: germline.
Comment: For these reasons, this variant has been classified as Pathogenic. This sequence change creates a premature translational stop signal (p.Gln173*) in the SACS gene. It is expected to result in an absent or disrupted protein product. This variant is not present in population databases (ExAC no frequency). This variant has not been reported in the literature in individuals with SACS-related disease. Loss-of-function variants in SACS are known to be pathogenic (PMID: 18465152, 20876471).

Literature cited by the submitters: PubMed 18465152 (cited by Labcorp Genetics (formerly Invitae), Labcorp); PubMed 20876471 (cited by Labcorp Genetics (formerly Invitae), Labcorp).